The following is an entry in ClinVar:

NM_000440.3(PDE6A):c.2549G>T (p.Gly850Val)

Gene: PDE6A (phosphodiesterase 6A; minus strand). Cytogenetic location: 5q32.
Variant type: single nucleotide variant.
Coding change: c.2549G>T on transcript NM_000440.3 (MANE Select); coding-DNA position 2549, G replaced by T.
Protein change: p.Gly850Val; replaces glycine 850 with valine.
Molecular consequence: missense variant.
Genome position (GRCh38, 1-based): chr5:149,860,929, C>A on the plus strand (G>T on the coding strand, the complement: PDE6A is on the minus strand). VCF-style: chr5-149860929-C-A. GRCh37 (hg19) VCF-style: chr5-149240492-C-A.
Other names: short protein forms G850V.
Identifiers: ClinVar variation 351980 (VCV000351980.58), dbSNP rs138315990, ClinGen allele CA3504232.

ClinVar aggregate classification (germline): Conflicting classifications of pathogenicity. Review status: criteria provided, conflicting classifications (1 of 4 stars). 7 submissions from 7 submitters: Uncertain significance (2); Likely benign (3). 2 of the submissions do not count toward it. Last evaluated 2026-01-22.

Conditions:
PDE6A-related disorder. Also called: PDE6A-related condition.
Retinal dystrophy. Also called: Inherited retinal dystrophy. Identifiers: Orphanet 71862, MedGen C0854723, MeSH D058499, MONDO:0019118, HP:0000556.
Retinitis pigmentosa (RP). Identifiers: Orphanet 791, MedGen C0035334, MeSH D012174, MONDO:0019200, OMIM 268000. Inheritance: Autosomal dominant, autosomal recessive and X linked inheritance.

Allele frequency attached by ClinVar (database versions not stated): 1000 Genomes Project 0.00040; 1000 Genomes Project 30x 0.00047; gnomAD 0.00093 and 0.00098; TOPMed 0.00096; gnomAD exomes 0.00109; ExAC 0.00120; ESP Exome Variant Server 0.00123.
gnomAD v4.1: 2,771 of 1,614,060 alleles (0.17%); highest among the groups gnomAD compares: Non-Finnish European, 0.22%; 4 homozygotes.

Submissions (7):

Labcorp Genetics (formerly Invitae), Labcorp
Classification: Likely benign. Last evaluated: 2026-01-22. Review status: criteria provided, single submitter. Criteria: Invitae Variant Classification Sherloc (09022015). Collection method: clinical testing. Allele origin: germline.

Blueprint Genetics
Classification: Likely benign. Last evaluated: 2024-11-26. Review status: criteria provided, single submitter. Criteria: ACMG Guidelines, 2015. Collection method: clinical testing. Allele origin: germline.

CeGaT Center for Human Genetics Tuebingen
Classification: Likely benign. Last evaluated: 2022-07-01. Review status: criteria provided, single submitter. Criteria: CeGaT Center For Human Genetics Tuebingen Variant Classification Criteria Version 2. Collection method: clinical testing. Allele origin: germline. Affected: yes. Observed: 2 variant alleles.
Comment: PDE6A: BP4, BS1

Illumina Laboratory Services, Illumina
Classification: Uncertain significance for Retinitis pigmentosa. Last evaluated: 2018-01-12. Review status: criteria provided, single submitter. Criteria: ICSL Variant Classification Criteria 13 December 2019. Collection method: clinical testing. Allele origin: germline.

GeneDx
Classification: Uncertain significance. Last evaluated: 2016-12-09. Review status: criteria provided, single submitter. Criteria: GeneDx Variant Classification (06012015). Collection method: clinical testing. Allele origin: germline. Affected: yes.
Comment: The G850V variant in the PDE6A gene has not been reported previously as a pathogenic variant, nor as a benign variant, to our knowledge. Although not present in the homozygous state, the NHLBI Exome Sequencing Project reports G850V was observed in 16/8600 alleles (0.19%) from individuals of European American background, indicating it may be a rare variant in this population. The G850V variant is a conservative amino acid substitution, which is not likely to impact secondary protein structure as these residues share similar properties. This substitution occurs at a position that is not conserved. In silico analysis is inconsistent in its predictions as to whether or not the variant is damaging to the protein structure/function. We interpret G850V as a variant of uncertain significance.

PreventionGenetics, part of Exact Sciences
Classification: Likely benign for PDE6A-related condition. Last evaluated: 2023-10-26. Review status: no assertion criteria provided. Collection method: clinical testing. Allele origin: germline. Not counted in ClinVar's aggregate classification.
Comment: This variant is classified as likely benign based on ACMG/AMP sequence variant interpretation guidelines (Richards et al. 2015 PMID: 25741868, with internal and published modifications).

Institute of Human Genetics, Univ. Regensburg, Univ. Regensburg
Classification: Uncertain significance for Retinal dystrophy. Last evaluated: 2023-01-01. Review status: no assertion criteria provided. Criteria: ACMG Guidelines, 2015. Collection method: clinical testing. Allele origin: germline. Affected: yes. Not counted in ClinVar's aggregate classification.